The following is an entry in ClinVar:

ClinVar aggregate classification (germline): Uncertain significance (1 of 4 stars; one submission).

Submission:

Laboratory for Molecular Medicine, Mass General Brigham Personalized Medicine
Classification: Uncertain significance. Last evaluated: 2016-06-23. Review status: criteria provided, single submitter. Criteria: LMM Criteria. Collection method: clinical testing. Allele origin: germline.
Comment: Variant identified in a genome or exome case(s) and assessed due to predicted null impact of the variant or pathogenic assertions in the literature or databases. Disclaimer: This variant has not undergone full assessment.

NM_002474.3(MYH11):c.3778C>T (p.Gln1260Ter)

Gene: MYH11 (myosin heavy chain 11; minus strand). Cytogenetic location: 16p13.11.
Variant type: single nucleotide variant.
Coding change: c.3778C>T on transcript NM_002474.3 (MANE Select); coding-DNA position 3778, C replaced by T.
Protein change: p.Gln1260Ter; replaces glutamine 1260 with a stop codon.
Molecular consequence: nonsense.
Genome position (GRCh38, 1-based): chr16:15,726,928, G>A on the plus strand (C>T on the coding strand, the complement: MYH11 is on the minus strand). VCF-style: chr16-15726928-G-A. GRCh37 (hg19) VCF-style: chr16-15820785-G-A.
Other names: c.3799C>T, p.Gln1267Ter (NM_001040113.2, NM_001040114.2); c.3778C>T, p.Gln1260Ter (NM_022844.3); short protein forms Q1267*, Q1260*.
Identifiers: ClinVar variation 403206 (VCV000403206.4), dbSNP rs1060499879, ClinGen allele CA16609773.